The following is an entry in ClinVar:

NM_003072.5(SMARCA4):c.1101_1119-550del

Gene: SMARCA4 (SWI/SNF related BAF chromatin remodeling complex subunit ATPase 4; plus strand). Cytogenetic location: 19p13.2.
Variant type: Deletion.
Coding change: c.1101_1119-550del on transcript NM_003072.5 (MANE Select); coding-DNA position 1101 through 550 bases into the intron before coding-DNA position 1119, 861 bases deleted.
Molecular consequence: splice donor variant.
Genome position (GRCh38, 1-based): chr19:10,987,907-10,988,767, 861 bases deleted. GRCh37 (hg19): chr19:11,098,583-11,099,443.
Other names: c.1101_1119-550del (NM_001128844.3, NM_001128849.3, NM_001128847.4 and 4 more transcripts).
Identifiers: ClinVar variation 936774 (VCV000936774.7), dbSNP rs2086204386, ClinGen allele CA1139666258.

ClinVar aggregate classification (germline): Likely pathogenic (1 of 4 stars; one submission).

Conditions:
Rhabdoid tumor predisposition syndrome 2 (RTPS2). Identifiers: Orphanet 231108, Orphanet 69077, MedGen C2750074, MONDO:0013224, OMIM 613325.

Submission:

Labcorp Genetics (formerly Invitae), Labcorp
Classification: Likely pathogenic for Rhabdoid tumor predisposition syndrome 2. Last evaluated: 2019-09-25. Review status: criteria provided, single submitter. Criteria: Invitae Variant Classification Sherloc (09022015). Collection method: clinical testing. Allele origin: germline.
Comment: In summary, the currently available evidence indicates that the variant is pathogenic, but additional data are needed to prove that conclusively. Therefore, this variant has been classified as Likely Pathogenic. Loss-of-function variants in SMARCA4 are known to be pathogenic (PMID: 24658001, 24658002). This variant has not been reported in the literature in individuals with SMARCA4-related conditions. This variant results in the deletion of part of exon 6 (c.1101_1119-550del) of the SMARCA4 gene. It is expected to disrupt RNA splicing and likely results in an absent or disrupted protein product.

Literature cited by the submitters: PubMed 24658001; PubMed 24658002.